The following is an entry in ClinVar:

ClinVar aggregate classification (germline): Uncertain significance (1 of 4 stars; one submission).

Conditions:
Rubinstein-Taybi syndrome due to EP300 haploinsufficiency. Also called: EP300-Related Rubinstein-Taybi Syndrome; RUBINSTEIN-TAYBI SYNDROME 2. Identifiers: Orphanet 353284, Orphanet 783, MedGen C3150941, MONDO:0013364, OMIM 613684.

Submission:

Labcorp Genetics (formerly Invitae), Labcorp
Classification: Uncertain significance for Rubinstein-Taybi syndrome due to EP300 haploinsufficiency. Last evaluated: 2024-09-06. Review status: criteria provided, single submitter. Criteria: Invitae Variant Classification Sherloc (09022015). Collection method: clinical testing. Allele origin: germline.
Comment: This sequence change replaces threonine, which is neutral and polar, with proline, which is neutral and non-polar, at codon 2397 of the EP300 protein (p.Thr2397Pro). This variant is not present in population databases (gnomAD no frequency). This variant has not been reported in the literature in individuals affected with EP300-related conditions. ClinVar contains an entry for this variant (Variation ID: 2014626). Invitae Evidence Modeling of protein sequence and biophysical properties (such as structural, functional, and spatial information, amino acid conservation, physicochemical variation, residue mobility, and thermodynamic stability) indicates that this missense variant is not expected to disrupt EP300 protein function with a negative predictive value of 95%. In summary, the available evidence is currently insufficient to determine the role of this variant in disease. Therefore, it has been classified as a Variant of Uncertain Significance.

NM_001429.4(EP300):c.7189A>C (p.Thr2397Pro)

Gene: EP300 (EP300 lysine acetyltransferase; plus strand). Cytogenetic location: 22q13.2.
Variant type: single nucleotide variant.
Coding change: c.7189A>C on transcript NM_001429.4 (MANE Select); coding-DNA position 7189, A replaced by C.
Protein change: p.Thr2397Pro; replaces threonine 2397 with proline.
Molecular consequence: missense variant.
Genome position (GRCh38, 1-based): chr22:41,178,900, A>C. VCF-style: chr22-41178900-A-C. GRCh37 (hg19) VCF-style: chr22-41574904-A-C.
Other names: c.7111A>C, p.Thr2371Pro (NM_001362843.2); short protein forms T2371P, T2397P.
Identifiers: ClinVar variation 2014626 (VCV002014626.4), dbSNP rs2145524640, ClinGen allele CA411684703.